The following is an entry in ClinVar:

ClinVar aggregate classification (germline): Benign (1 of 4 stars; one submission).

Allele frequency attached by ClinVar (database versions not stated): gnomAD exomes 0.00034; ExAC 0.00206; 1000 Genomes Project 0.00459; 1000 Genomes Project 30x 0.00562.

Submission:

CeGaT Center for Human Genetics Tuebingen
Classification: Benign. Last evaluated: 2022-06-01. Review status: criteria provided, single submitter. Criteria: CeGaT Center For Human Genetics Tuebingen Variant Classification Criteria Version 2. Collection method: clinical testing. Allele origin: germline. Affected: yes. Observed: 1 variant allele.
Comment: AHNAK2: BS1, BS2

NM_138420.4(AHNAK2):c.8009T>C (p.Leu2670Ser)

Gene: AHNAK2 (AHNAK nucleoprotein 2; minus strand). Cytogenetic location: 14q32.33.
Variant type: single nucleotide variant.
Coding change: c.8009T>C on transcript NM_138420.4 (MANE Select); coding-DNA position 8009, T replaced by C.
Protein change: p.Leu2670Ser; replaces leucine 2670 with serine.
Molecular consequence: missense variant.
Genome position (GRCh38, 1-based): chr14:104,947,442, A>G on the plus strand (T>C on the coding strand, the complement: AHNAK2 is on the minus strand). VCF-style: chr14-104947442-A-G. GRCh37 (hg19) VCF-style: chr14-105413779-A-G.
Other names: c.7709T>C, p.Leu2570Ser (NM_001350929.2); short protein forms L2570S, L2670S.
Identifiers: ClinVar variation 2644711 (VCV002644711.24), dbSNP rs201739902, ClinGen allele CA7380286.